The following is an entry in ClinVar:

ClinVar aggregate classification (germline): Uncertain significance (1 of 4 stars; one submission).

Conditions:
Autosomal dominant limb-girdle muscular dystrophy type 1F (LGMDD2). Also called: Limb-girdle muscular dystrophy, type 1F; MUSCULAR DYSTROPHY, LIMB-GIRDLE, AUTOSOMAL DOMINANT 2. Identifiers: Orphanet 55595, MedGen C1842062, MONDO:0012034, OMIM 608423.

Allele frequency attached by ClinVar (database versions not stated): gnomAD exomes below 0.00001.
gnomAD v4.1: 1 of 1,614,094 alleles (0.000062%); highest among the groups gnomAD compares: Non-Finnish European, 0.000085%; no homozygotes.

Submission:

Labcorp Genetics (formerly Invitae), Labcorp
Classification: Uncertain significance for Autosomal dominant limb-girdle muscular dystrophy type 1F. Last evaluated: 2022-08-09. Review status: criteria provided, single submitter. Criteria: Invitae Variant Classification Sherloc (09022015). Collection method: clinical testing. Allele origin: germline.
Comment: This sequence change replaces isoleucine, which is neutral and non-polar, with valine, which is neutral and non-polar, at codon 256 of the TNPO3 protein (p.Ile256Val). This variant is not present in population databases (gnomAD no frequency). This variant has not been reported in the literature in individuals affected with TNPO3-related conditions. ClinVar contains an entry for this variant (Variation ID: 1372871). Algorithms developed to predict the effect of missense changes on protein structure and function (SIFT, PolyPhen-2, Align-GVGD) all suggest that this variant is likely to be tolerated. In summary, the available evidence is currently insufficient to determine the role of this variant in disease. Therefore, it has been classified as a Variant of Uncertain Significance.

NM_012470.4(TNPO3):c.766A>G (p.Ile256Val)

Gene: TNPO3 (transportin 3; minus strand). Cytogenetic location: 7q32.1.
Variant type: single nucleotide variant.
Coding change: c.766A>G on transcript NM_012470.4 (MANE Select); coding-DNA position 766, A replaced by G.
Protein change: p.Ile256Val; replaces isoleucine 256 with valine.
Molecular consequence: missense variant. On other transcripts: non-coding transcript variant (18).
Genome position (GRCh38, 1-based): chr7:129,001,165, T>C on the plus strand (A>G on the coding strand, the complement: TNPO3 is on the minus strand). VCF-style: chr7-129001165-T-C. GRCh37 (hg19) VCF-style: chr7-128641219-T-C.
Other names: c.766A>G, p.Ile256Val (NM_001191028.3, NM_001382216.1, NM_001382218.1 and 4 more transcripts); c.847A>G, p.Ile283Val (NM_001382217.1); c.622A>G, p.Ile208Val (NM_001382221.1); short protein forms I256V, I208V, I283V.
Identifiers: ClinVar variation 1372871 (VCV001372871.6), dbSNP rs1801906733, ClinGen allele CA369239155.
Genomic context (GRCh38, chr7:129,001,165, plus strand): 5'-ATGTCAGCACTCCCTGAAAAAGTTGCATGGCTAATGGCAAGTTAGTCTCCACATTCTCAA[T>C]GGCATAGAGAGCTGAGCATACACAGTCCGAAGCAGCTTCATGTAGGTTAGACGAGGTCTT-3'
Protein context (NP_036602.1, residues 246-266): SDCVCSALYA[Ile256Val]ENVETNLPLA